The following is an entry in ClinVar:

ClinVar aggregate classification (germline): Uncertain significance (1 of 4 stars; one submission).

Conditions:
CHARGE syndrome (CHARGE). Also called: Hittner Hirsch Kreh syndrome; CHARGE ASSOCIATION--COLOBOMA, HEART ANOMALY, CHOANAL ATRESIA, RETARDATION, GENITAL AND EAR ANOMALIES; Coloboma, heart anomaly, choanal atresia, retardation, genital and ear anomalies; CHARGE association; Hall-Hittner syndrome. Identifiers: Orphanet 138, MedGen C0265354, MONDO:0008965.

Submission:

Labcorp Genetics (formerly Invitae), Labcorp
Classification: Uncertain significance for CHARGE syndrome. Last evaluated: 2023-12-10. Review status: criteria provided, single submitter. Criteria: Invitae Variant Classification Sherloc (09022015). Collection method: clinical testing. Allele origin: germline.
Comment: This sequence change replaces leucine, which is neutral and non-polar, with serine, which is neutral and polar, at codon 1795 of the CHD7 protein (p.Leu1795Ser). This variant is not present in population databases (gnomAD no frequency). This variant has not been reported in the literature in individuals affected with CHD7-related conditions. Advanced modeling of protein sequence and biophysical properties (such as structural, functional, and spatial information, amino acid conservation, physicochemical variation, residue mobility, and thermodynamic stability) performed at Invitae indicates that this missense variant is expected to disrupt CHD7 protein function with a positive predictive value of 95%. In summary, the available evidence is currently insufficient to determine the role of this variant in disease. Therefore, it has been classified as a Variant of Uncertain Significance.

NM_017780.4(CHD7):c.5384T>C (p.Leu1795Ser)

Gene: CHD7 (chromodomain helicase DNA binding protein 7; plus strand). Cytogenetic location: 8q12.2.
Variant type: single nucleotide variant.
Coding change: c.5384T>C on transcript NM_017780.4 (MANE Select); coding-DNA position 5384, T replaced by C.
Protein change: p.Leu1795Ser; replaces leucine 1795 with serine.
Molecular consequence: missense variant. On other transcripts: intron variant (1).
Genome position (GRCh38, 1-based): chr8:60,849,134, T>C. VCF-style: chr8-60849134-T-C. GRCh37 (hg19) VCF-style: chr8-61761693-T-C.
Other names: c.1717-13095T>C (NM_001316690.1); short protein forms L1795S.
Identifiers: ClinVar variation 2702082 (VCV002702082.3), dbSNP rs2488004362, ClinGen allele CA371321285.